The following is an entry in ClinVar:

NM_000548.5(TSC2):c.1706T>A (p.Val569Asp)

Gene: TSC2 (TSC complex subunit 2; plus strand). Cytogenetic location: 16p13.3.
Variant type: single nucleotide variant.
Coding change: c.1706T>A on transcript NM_000548.5 (MANE Select); coding-DNA position 1706, T replaced by A.
Protein change: p.Val569Asp; replaces valine 569 with aspartic acid.
Molecular consequence: missense variant. On other transcripts: non-coding transcript variant (5).
Genome position (GRCh38, 1-based): chr16:2,065,625, T>A. VCF-style: chr16-2065625-T-A. GRCh37 (hg19) VCF-style: chr16-2115626-T-A.
Other names: c.104T>A, p.Val35Asp (NM_001406698.1); c.1706T>A, p.Val569Asp (NM_021055.3, NM_001363528.2, NM_001370404.1 and 6 more transcripts); c.1595T>A, p.Val532Asp (NM_001318827.2, NM_001406670.1, NM_001406678.1); c.1559T>A, p.Val520Asp (NM_001318829.2, NM_001406679.1, NM_001406675.1 and 1 more transcripts); c.1106T>A, p.Val369Asp (NM_001318831.2, NM_001406680.1, NM_001406682.1 and 6 more transcripts); c.1739T>A, p.Val580Asp (NM_001318832.2); c.1244T>A, p.Val415Asp (NM_001406681.1); c.1796T>A, p.Val599Asp (NM_001406667.1, NM_001406668.1); and 3 more; short protein forms V121D, V550D, V35D, V415D, V569D, V599D, V369D, V520D.
Identifiers: ClinVar variation 2847970 (VCV002847970.4), dbSNP rs2543477178, ClinGen allele CA394270684.

ClinVar aggregate classification (germline): Uncertain significance. Review status: criteria provided, multiple submitters, no conflicts (2 of 4 stars). 2 submissions from 2 submitters: Uncertain significance (2). Last evaluated 2026-07-07.

Conditions:
Tuberous sclerosis 2 (TSC2). Identifiers: Orphanet 805, MedGen C1860707, MONDO:0013199, OMIM 613254.
Hereditary cancer-predisposing syndrome. Also called: Hereditary Cancer Syndrome; Hereditary neoplastic syndrome; Neoplastic Syndromes, Hereditary; Tumor predisposition. Identifiers: Orphanet 140162, MedGen C0027672, MeSH D009386, MONDO:0015356.

Submissions (2):

Ambry Genetics
Classification: Uncertain significance for Hereditary cancer-predisposing syndrome. Last evaluated: 2026-07-07. Review status: criteria provided, single submitter. Criteria: Ambry Variant Classification Scheme 2023. Collection method: clinical testing. Allele origin: germline.
Comment: The p.V569D variant (also known as c.1706T>A), located in coding exon 15 of the TSC2 gene, results from a T to A substitution at nucleotide position 1706. The valine at codon 569 is replaced by aspartic acid, an amino acid with highly dissimilar properties. This amino acid position is conserved. In addition, this alteration is predicted to be deleterious by in silico analysis. Based on the available evidence, the clinical significance of this variant remains unclear.

Labcorp Genetics (formerly Invitae), Labcorp
Classification: Uncertain significance for Tuberous sclerosis 2. Last evaluated: 2023-03-27. Review status: criteria provided, single submitter. Criteria: Invitae Variant Classification Sherloc (09022015). Collection method: clinical testing. Allele origin: germline.
Comment: In summary, the available evidence is currently insufficient to determine the role of this variant in disease. Therefore, it has been classified as a Variant of Uncertain Significance. Advanced modeling of protein sequence and biophysical properties (such as structural, functional, and spatial information, amino acid conservation, physicochemical variation, residue mobility, and thermodynamic stability) performed at Invitae indicates that this missense variant is not expected to disrupt TSC2 protein function. This variant has not been reported in the literature in individuals affected with TSC2-related conditions. This variant is not present in population databases (gnomAD no frequency). This sequence change replaces valine, which is neutral and non-polar, with aspartic acid, which is acidic and polar, at codon 569 of the TSC2 protein (p.Val569Asp).